The following is an entry in ClinVar:

ClinVar aggregate classification (germline): Uncertain significance. Review status: criteria provided, multiple submitters, no conflicts (2 of 4 stars). 2 submissions from 2 submitters: Uncertain significance (2). Last evaluated 2025-10-28.

Conditions:
Cardiovascular phenotype. Identifiers: MedGen CN230736.
Hereditary cancer-predisposing syndrome. Also called: Neoplastic Syndromes, Hereditary; Tumor predisposition; Hereditary neoplastic syndrome; Hereditary Cancer Syndrome. Identifiers: Orphanet 140162, MedGen C0027672, MeSH D009386, MONDO:0015356.
Neurofibromatosis, type 1 (NF1). Also called: Peripheral type neurofibromatosis; VON RECKLINGHAUSEN DISEASE; NEUROFIBROMATOSIS, TYPE I, SOMATIC; Neurofibromatosis, type I. Identifiers: Orphanet 636, MedGen C0027831, MONDO:0018975, OMIM 162200. Disease mechanism: loss of function.

Submissions (2):

Labcorp Genetics (formerly Invitae), Labcorp
Classification: Uncertain significance for Neurofibromatosis, type 1. Last evaluated: 2025-10-28. Review status: criteria provided, single submitter. Criteria: Invitae Variant Classification Sherloc (09022015). Collection method: clinical testing. Allele origin: germline.
Comment: This sequence change replaces valine, which is neutral and non-polar, with leucine, which is neutral and non-polar, at codon 2238 of the NF1 protein (p.Val2238Leu). This variant is not present in population databases (gnomAD no frequency). This variant has not been reported in the literature in individuals affected with NF1-related conditions. ClinVar contains an entry for this variant (Variation ID: 1755055). Invitae Evidence Modeling of protein sequence and biophysical properties (such as structural, functional, and spatial information, amino acid conservation, physicochemical variation, residue mobility, and thermodynamic stability) indicates that this missense variant is not expected to disrupt NF1 protein function with a negative predictive value of 95%. In summary, the available evidence is currently insufficient to determine the role of this variant in disease. Therefore, it has been classified as a Variant of Uncertain Significance.

Ambry Genetics
Classification: Uncertain significance for Cardiovascular phenotype; Hereditary cancer-predisposing syndrome. Last evaluated: 2020-10-19. Review status: criteria provided, single submitter. Criteria: Ambry Variant Classification Scheme 2023. Collection method: clinical testing. Allele origin: germline.
Comment: The p.V2238L variant (also known as c.6712G>T), located in coding exon 44 of the NF1 gene, results from a G to T substitution at nucleotide position 6712. The valine at codon 2238 is replaced by leucine, an amino acid with highly similar properties. This amino acid position is highly conserved in available vertebrate species. In addition, the in silico prediction for this alteration is inconclusive. Since supporting evidence is limited at this time, the clinical significance of this alteration remains unclear.

NM_001042492.3(NF1):c.6775G>T (p.Val2259Leu)

Gene: NF1 (neurofibromin 1; plus strand). Cytogenetic location: 17q11.2.
Variant type: single nucleotide variant.
Coding change: c.6775G>T on transcript NM_001042492.3 (MANE Select); coding-DNA position 6775, G replaced by T.
Protein change: p.Val2259Leu; replaces valine 2259 with leucine.
Molecular consequence: missense variant.
Genome position (GRCh38, 1-based): chr17:31,338,095, G>T. VCF-style: chr17-31338095-G-T. GRCh37 (hg19) VCF-style: chr17-29665113-G-T.
Other names: c.6712G>T, p.Val2238Leu (NM_000267.4); short protein forms V2238L, V2259L.
Identifiers: ClinVar variation 1755055 (VCV001755055.3), dbSNP rs1348782175, ClinGen allele CA399014132.